The following is an entry in ClinVar:

NM_001099274.3(TINF2):c.70C>T (p.Arg24Cys)

Genes: TINF2 (TERF1 interacting nuclear factor 2; minus strand), LOC130055403 (ATAC-STARR-seq lymphoblastoid active region 8199; plus strand). Cytogenetic location: 14q12.
Variant type: single nucleotide variant.
Coding change: c.70C>T on transcript NM_001099274.3 (MANE Select); coding-DNA position 70, C replaced by T.
Protein change: p.Arg24Cys; replaces arginine 24 with cysteine.
Molecular consequence: missense variant.
Genome position (GRCh38, 1-based): chr14:24,242,263, G>A on the plus strand (C>T on the coding strand, the complement: TINF2 is on the minus strand). VCF-style: chr14-24242263-G-A. GRCh37 (hg19) VCF-style: chr14-24711469-G-A.
Other names: c.70C>T, p.Arg24Cys (NM_001363668.2, NM_012461.3); short protein forms R24C.
Identifiers: ClinVar variation 1057678 (VCV001057678.9), dbSNP rs2139004072, ClinGen allele CA389236379.

ClinVar aggregate classification (germline): Uncertain significance (1 of 4 stars; one submission).

Conditions:
Dyskeratosis congenita. Identifiers: Orphanet 1775, MedGen C0265965, MONDO:0015780.

Submission:

Labcorp Genetics (formerly Invitae), Labcorp
Classification: Uncertain significance for Dyskeratosis congenita. Last evaluated: 2024-10-07. Review status: criteria provided, single submitter. Criteria: Invitae Variant Classification Sherloc (09022015). Collection method: clinical testing. Allele origin: germline.
Comment: This sequence change replaces arginine, which is basic and polar, with cysteine, which is neutral and slightly polar, at codon 24 of the TINF2 protein (p.Arg24Cys). This variant is not present in population databases (gnomAD no frequency). This variant has not been reported in the literature in individuals affected with TINF2-related conditions. ClinVar contains an entry for this variant (Variation ID: 1057678). An algorithm developed to predict the effect of missense changes on protein structure and function (PolyPhen-2) suggests that this variant is likely to be disruptive. In summary, the available evidence is currently insufficient to determine the role of this variant in disease. Therefore, it has been classified as a Variant of Uncertain Significance.